The following is an entry in ClinVar:

NM_001999.4(FBN2):c.8650A>C (p.Lys2884Gln)

Gene: FBN2 (fibrillin 2; minus strand). Cytogenetic location: 5q23.3.
Variant type: single nucleotide variant.
Coding change: c.8650A>C on transcript NM_001999.4 (MANE Select); coding-DNA position 8650, A replaced by C.
Protein change: p.Lys2884Gln; replaces lysine 2884 with glutamine.
Molecular consequence: missense variant.
Genome position (GRCh38, 1-based): chr5:128,259,544, T>G on the plus strand (A>C on the coding strand, the complement: FBN2 is on the minus strand). VCF-style: chr5-128259544-T-G. GRCh37 (hg19) VCF-style: chr5-127595236-T-G.
Other names: short protein forms K2884Q.
Identifiers: ClinVar variation 3253487 (VCV003253487.1), dbSNP rs954619149.

ClinVar aggregate classification (germline): Uncertain significance (1 of 4 stars; one submission).

Allele frequency attached by ClinVar (database versions not stated): gnomAD exomes below 0.00001.
gnomAD v4.1: 8 of 1,614,080 alleles (0.0005%); no homozygotes.

Submission:

GeneDx
Classification: Uncertain significance. Last evaluated: 2023-12-12. Review status: criteria provided, single submitter. Criteria: GeneDx Variant Classification Process June 2021. Collection method: clinical testing. Allele origin: germline. Affected: yes.
Comment: Has not been previously published as pathogenic or benign to our knowledge; Not observed at significant frequency in large population cohorts (gnomAD); Does not occur within a calcium-binding-EGF-like domain (Callewaert et al., 2009, Frederic et al., 2009); In silico analysis supports that this missense variant does not alter protein structure/function